The following is an entry in ClinVar:

ClinVar aggregate classification (germline): Likely benign (0 of 4 stars; one submission).

Conditions:
NLRP2-related disorder. Also called: NLRP2-related condition.

Allele frequency attached by ClinVar (database versions not stated): gnomAD 0.00041; TOPMed 0.00049; ExAC 0.00058; ESP Exome Variant Server 0.00069.
gnomAD v4.1: 645 of 1,614,012 alleles (0.04%); highest among the groups gnomAD compares: Non-Finnish European, 0.015%; 1 homozygote.

Submission:

PreventionGenetics, part of Exact Sciences
Classification: Likely benign for NLRP2-related condition. Last evaluated: 2019-10-31. Review status: no assertion criteria provided. Collection method: clinical testing. Allele origin: germline.
Comment: This variant is classified as likely benign based on ACMG/AMP sequence variant interpretation guidelines (Richards et al. 2015 PMID: 25741868, with internal and published modifications).

NM_017852.5(NLRP2):c.939G>A (p.Pro313=)

Gene: NLRP2 (NLR family pyrin domain containing 2; plus strand). Cytogenetic location: 19q13.42.
Variant type: single nucleotide variant.
Coding change: c.939G>A on transcript NM_017852.5 (MANE Select); coding-DNA position 939, G replaced by A.
Protein change: p.Pro313=; no amino-acid change (proline 313 retained).
Molecular consequence: synonymous variant. On other transcripts: non-coding transcript variant (1).
Genome position (GRCh38, 1-based): chr19:54,982,637, G>A. VCF-style: chr19-54982637-G-A. GRCh37 (hg19) VCF-style: chr19-55494005-G-A.
Other names: c.939G>A, p.Pro313= (NM_001174081.3); c.873G>A, p.Pro291= (NM_001174082.3); c.870G>A, p.Pro290= (NM_001174083.2); c.930G>A, p.Pro310= (NM_001348003.2).
Identifiers: ClinVar variation 3046195 (VCV003046195.2), dbSNP rs61735080, ClinGen allele CA310103372.